The following is an entry in ClinVar:

ClinVar aggregate classification (germline): Pathogenic (1 of 4 stars; one submission).

Conditions:
Tuberous sclerosis 1 (TSC1). Identifiers: Orphanet 805, MedGen C1854465, MONDO:0008612, OMIM 191100.

Submission:

Labcorp Genetics (formerly Invitae), Labcorp
Classification: Pathogenic for Tuberous sclerosis 1. Last evaluated: 2016-07-31. Review status: criteria provided, single submitter. Criteria: Invitae Variant Classification Sherloc (09022015). Collection method: clinical testing. Allele origin: germline.
Comment: This sequence change inserts 20 nucleotides in exon 18 of the TSC1 mRNA (c.2341_2360dup20), causing a frameshift at codon 787. This creates a premature translational stop signal (p.Glu787Aspfs*27) and is expected to result in an absent or disrupted protein product. While this particular variant has not been reported in the literature, loss-of-function variants in TSC1 are known to be pathogenic (PMID: 10227394, 17304050). For these reasons, this variant has been classified as Pathogenic.

NM_000368.5(TSC1):c.2341_2360dup (p.Glu787fs)

Gene: TSC1 (TSC complex subunit 1; minus strand). Cytogenetic location: 9q34.13.
Variant type: Duplication.
Coding change: c.2341_2360dup on transcript NM_000368.5 (MANE Select); coding-DNA positions 2341 to 2360, 20 bases duplicated (CAGCTGCAGCATGACCGAGA).
Protein change: p.Glu787fs; shifts the reading frame from glutamic acid 787.
Molecular consequence: frameshift variant.
Genome position (GRCh38, 1-based): chr9:132,902,636-132,902,655, TCTCGGTCATGCTGCAGCTG duplicated on the plus strand (CAGCTGCAGCATGACCGAGA on the coding strand, the reverse complement: TSC1 is on the minus strand); duplicating any 20 consecutive bases within chr9:132,902,636-132,902,658 gives the same sequence; the c. name uses the placement nearest the transcript's 3' end. VCF-style (leftmost placement, unchanged base first): chr9-132902635-C-CTCTCGGTCATGCTGCAGCTG. GRCh37 (hg19) VCF-style: chr9-135778022-C-CTCTCGGTCATGCTGCAGCTG.
Other names: c.2341_2360dup20 (NM_000368.4); c.2338_2357dup, p.Glu786fs (NM_001162426.2); c.2188_2207dup, p.Glu736fs (NM_001162427.2); c.1978_1997dup, p.Glu666fs (NM_001362177.2); short protein forms E786fs, E736fs, E787fs, E666fs.
Identifiers: ClinVar variation 411223 (VCV000411223.1), dbSNP rs1554814935, ClinGen allele CA16612750.